The following is an entry in ClinVar:

ClinVar aggregate classification (germline): Pathogenic/Likely pathogenic. Review status: criteria provided, multiple submitters, no conflicts (2 of 4 stars). 6 submissions from 4 submitters: Pathogenic (1); Likely pathogenic (1). 4 of the submissions do not count toward it. Last evaluated 2026-05-29.

Conditions:
Tibia, hypoplasia or aplasia of, with polydactyly (THYP). Also called: TIBIAL HEMIMELIA-POLYDACTYLY-TRIPHALANGEAL THUMBS WITH FIBULAR DIMELIA; Mesomelic Dysplasia, Werner Type; Werner mesomelic syndrome; Polydactyly with absent tibia. Identifiers: Orphanet 3332, Orphanet 988, MedGen C1861098, MONDO:0008572, OMIM 188740.
Triphalangeal thumb (TPT). Identifiers: MedGen C0241397, HP:0001199.
Triphalangeal thumb-polysyndactyly syndrome (TPTPS). Also called: TPT-PS SYNDROME; Triphalangeal thumb with polysyndactyly syndrome; TRIPHALANGEAL THUMB WITH POLYSYNDACTYLY. Identifiers: MedGen C5779878, MONDO:0017454, OMIM 190605.
Polydactyly of a triphalangeal thumb. Also called: TRIPHALANGEAL THUMB-POLYDACTYLY SYNDROME; Polydactyly, preaxial type II; POLYDACTYLY OF TRIPHALANGEAL THUMB. Identifiers: Orphanet 2439, Orphanet 2950, Orphanet 93336, MedGen C1868114, MONDO:0008270, OMIM 174500.

Allele frequency attached by ClinVar (database versions not stated): gnomAD 0.00001.
gnomAD v4.1: 1 of 152,136 alleles (0.00066%); highest among the groups gnomAD compares: Admixed American, 0.0065%; no homozygotes.

Submissions (6):

Victorian Clinical Genetics Services, Murdoch Childrens Research Institute
Classification: Likely pathogenic for Triphalangeal thumb-polysyndactyly syndrome. Last evaluated: 2026-05-29. Review status: criteria provided, single submitter. Criteria: ACMG Guidelines, 2015. Collection method: clinical testing. Allele origin: germline. Affected: yes.
Comment: This variant is classified as Likely pathogenic. Evidence in support of pathogenic classification: Non-coding variant with known effect. This variant is located within intron 5 of the LMBR1 gene. This intron contains the zone of polarising activity regulatory sequence (ZRS); variants in this region are known to cause limb malformations (OMIM). Transgenic mice expressing this variant showed mislocalised ZRS protein in the developing limb bud (PMID: 24777739); Variant is present in gnomAD <0.01 (v4: 1 heterozygote(s), 0 homozygote(s)); This variant has moderate previous evidence of pathogenicity in unrelated individuals. This variant has been classified pathogenic by a clinical laboratory in ClinVar, and reported in the literature in two unrelated families with preaxial polydactyly and triphalangeal thumb (PMID: 24777739). Additional information: This variant is heterozygous; This gene is associated with both recessive and dominant disease. The more severe acheiropody phenotype is associated has biallelic inheritance (OMIM). Preaxial polydactyly and polysyndactyly tends to be dominantly inherited (PMID: 11606546); No comparable intronic variants at this nucleotide have previous evidence for pathogenicity; Loss of function and gain of function are known mechanisms of disease in this gene and are associated with disease. Homozygous LoF variants are associated with acheiropody (MIM#200500), whereas heterozygous gain of function variants in the zone of polarising activity regulatory sequence (ZRS) are associated with Laurin-Sandrow syndrome (MIM#135750), syndactyly, type IV (MIM#186200), and triphalangeal thumb-polysyndactyly syndrome (MIM#190605) (PMID: 11606546, 31395945, 11090342); Variants in this gene are known to have variable expressivity. Both interfamilial and intrafamilial variability have been reported, with affected individuals having preaxial polydactyly (PPD), triphalangeal thumb (TPT) or both (PMID: 24777739).

Labcorp Genetics (formerly Invitae), Labcorp
Classification: Pathogenic. Last evaluated: 2025-09-30. Review status: criteria provided, single submitter. Criteria: Invitae Variant Classification Sherloc (09022015). Collection method: clinical testing. Allele origin: germline.
Comment: This sequence change falls in intron 5 of the LMBR1 gene. It does not directly change the encoded amino acid sequence of the LMBR1 protein. This variant is present in population databases (rs587779752, gnomAD 0.1%). This variant has been observed in individual(s) with preaxial polydactyly and/or triphalangeal thumb (PMID: 24777739). It has also been observed to segregate with disease in related individuals. This variant is also known as ZRS 402C>T. ClinVar contains an entry for this variant (Variation ID: 126371). Studies have shown that this variant affects the ZPA regulatory sequence (ZRS) within intron 5 of the LMBR1 gene, which regulates the expression of certain genes that are important for limb development (PMID: 29651423). Algorithms developed to predict the effect of sequence changes on RNA splicing suggest that this variant is not likely to affect RNA splicing. For these reasons, this variant has been classified as Pathogenic.

OMIM
Classification: Pathogenic for TRIPHALANGEAL THUMB. Last evaluated: 2014-04-28. Review status: no assertion criteria provided. Collection method: literature only. Allele origin: germline. Not counted in ClinVar's aggregate classification.

OMIM
Classification: Pathogenic for POLYDACTYLY, PREAXIAL II. Last evaluated: 2014-04-28. Review status: no assertion criteria provided. Collection method: literature only. Allele origin: germline. Not counted in ClinVar's aggregate classification.

OMIM
Classification: Pathogenic for TIBIA, HYPOPLASIA OR APLASIA OF, WITH POLYDACTYLY. Last evaluated: 2014-04-28. Review status: no assertion criteria provided. Collection method: literature only. Allele origin: germline. Not counted in ClinVar's aggregate classification.

Ahituv Lab, University of California San Francisco
Classification: Pathogenic for Tibia, hypoplasia of, with polydactyly. Review status: no assertion criteria provided. Collection method: research. Allele origin: germline. Affected: yes. Not counted in ClinVar's aggregate classification.

Literature cited by the submitters: PubMed 31395945 (cited by Victorian Clinical Genetics Services, Murdoch Childrens Research Institute); PubMed 11090342 (cited by Victorian Clinical Genetics Services, Murdoch Childrens Research Institute); PubMed 11606546 (cited by Victorian Clinical Genetics Services, Murdoch Childrens Research Institute); PubMed 24777739 (cited by 3 submitters); PubMed 29651423 (cited by Labcorp Genetics (formerly Invitae), Labcorp); PubMed 32169219 (cited by OMIM).

NM_022458.4(LMBR1):c.423+4915C>T

Genes: LMBR1 (limb development membrane protein 1; minus strand), ZRS (ZPA regulatory sequence; plus strand). Cytogenetic location: 7q36.3.
Variant type: single nucleotide variant.
Coding change: c.423+4915C>T on transcript NM_022458.4 (MANE Select); 4915 bases into the intron after coding-DNA position 423, C replaced by T.
Molecular consequence: intron variant.
Genome position (GRCh38, 1-based): chr7:156,791,474, G>A on the plus strand (C>T on the coding strand, the complement: LMBR1 is on the minus strand). VCF-style: chr7-156791474-G-A. GRCh37 (hg19) VCF-style: chr7-156584168-G-A.
Other names: ZRS,402C>T; 402C-T; c.360+4915C>T (NM_001363412.2); c.144+4915C>T (NM_001350954.2); c.423+4915C>T (NM_001363410.2, NM_001363409.2, NM_001350953.2); c.-112+4915C>T (NM_001350958.2, NM_001350956.2, NM_001350955.2 and 1 more transcripts); c.54+4915C>T (NM_001350957.2, NM_001363411.2).
Identifiers: ClinVar variation 126371 (VCV000126371.14), dbSNP rs587779752, ClinGen allele CA173967.